The following is an entry in ClinVar:

ClinVar aggregate classification (germline): Uncertain significance. Review status: criteria provided, multiple submitters, no conflicts (2 of 4 stars). 3 submissions from 3 submitters: Uncertain significance (2). 1 of the submissions does not count toward it. Last evaluated 2026-01-02.

Conditions:
KDM5C-related disorder. Also called: KDM5C-related condition.

Allele frequency attached by ClinVar (database versions not stated): gnomAD 0.00001; TOPMed 0.00001.
gnomAD v4.1: 1 of 1,209,573 alleles (0.000083%); highest among the groups gnomAD compares: Admixed American, 0.0022%; no homozygotes.

Submissions (3):

GeneDx
Classification: Uncertain significance. Last evaluated: 2026-01-02. Review status: criteria provided, single submitter. Criteria: GeneDx Variant Classification Process June 2021. Collection method: clinical testing. Allele origin: germline. Affected: yes.
Comment: Not observed at significant frequency in large population cohorts (gnomAD); In silico analysis supports that this missense variant has a deleterious effect on protein structure/function; Methylation analysis in a patient referred for genetic testing at GeneDx is inconsistent with a KDM5C-related epigenetic signature; Has not been previously published as pathogenic or benign to our knowledge

Blueprint Genetics
Classification: Uncertain significance. Last evaluated: 2024-10-07. Review status: criteria provided, single submitter. Criteria: ACMG Guidelines, 2015. Collection method: clinical testing. Allele origin: germline.

PreventionGenetics, part of Exact Sciences
Classification: Uncertain significance for KDM5C-related condition. Last evaluated: 2024-06-22. Review status: no assertion criteria provided. Collection method: clinical testing. Allele origin: germline. Not counted in ClinVar's aggregate classification.
Comment: The KDM5C c.3726C>G variant is predicted to result in the amino acid substitution p.Phe1242Leu. To our knowledge, this variant has not been reported in the literature or in a large population database, indicating this variant is rare. At this time, the clinical significance of this variant is uncertain due to the absence of conclusive functional and genetic evidence.

NM_004187.5(KDM5C):c.3726C>G (p.Phe1242Leu)

Gene: KDM5C (lysine demethylase 5C; minus strand). Cytogenetic location: Xp11.22.
Variant type: single nucleotide variant.
Coding change: c.3726C>G on transcript NM_004187.5 (MANE Select); coding-DNA position 3726, C replaced by G.
Protein change: p.Phe1242Leu; replaces phenylalanine 1242 with leucine.
Molecular consequence: missense variant. On other transcripts: non-coding transcript variant (3).
Genome position (GRCh38, 1-based): chrX:53,194,451, G>C on the plus strand (C>G on the coding strand, the complement: KDM5C is on the minus strand). VCF-style: chrX-53194451-G-C. GRCh37 (hg19) VCF-style: chrX-53223633-G-C.
Other names: c.3525C>G, p.Phe1175Leu (NM_001146702.2); c.3723C>G, p.Phe1241Leu (NM_001282622.3, NM_001353979.2, NM_001353982.2); c.3726C>G, p.Phe1242Leu (NM_001353978.3, NM_001353981.2, NM_001353984.2); c.3726C>G (NM_004187.3); short protein forms F1175L, F1241L, F1242L.
Identifiers: ClinVar variation 1723595 (VCV001723595.6), dbSNP rs1053380293, ClinGen allele CA413107449.
Genomic context (GRCh38, chrX:53,194,451, plus strand): 5'-CAGCAGTGCCAGGATGGTCTCCAGGCGCGGGCGCCTTGAGCGCATACACAGTGGACACAG[G>C]AATTTGGTGTCCCATTCCCACCAGGCCAGCAGTGGGGATGAGGTGGGATTGGGCCTCGGA-3'
Protein context (NP_004178.2, residues 1232-1252): LLAWWEWDTK[Phe1242Leu]LCPLCMRSRR